The following is an entry in ClinVar:

NM_052989.3(IFT122):c.1148-2A>G

Gene: IFT122 (intraflagellar transport 122; plus strand). Cytogenetic location: 3q21.3.
Variant type: single nucleotide variant.
Coding change: c.1148-2A>G on transcript NM_052989.3 (MANE Select); the canonical splice acceptor site of the intron before coding-DNA position 1148, A replaced by G.
Molecular consequence: splice acceptor variant.
Genome position (GRCh38, 1-based): chr3:129,478,014, A>G. VCF-style: chr3-129478014-A-G. GRCh37 (hg19) VCF-style: chr3-129196857-A-G.
Other names: c.698-2A>G (NM_001280545.2); c.1301-2A>G (NM_052985.4); c.1124-2A>G (NM_001280541.2); c.1148-2A>G (NM_001410808.1, NM_001410809.1); c.971-2A>G (NM_001410810.1, NM_018262.4, NM_001410811.1 and 1 more transcripts); c.521-2A>G (NM_001280546.2); c.815-2A>G (NM_052990.3, NM_001410815.1, NM_001410817.1).
Identifiers: ClinVar variation 3691775 (VCV003691775.2).
Genomic context (GRCh38, chr3:129,478,014, plus strand): 5'-TCTCTGCCTTGCACCTTACATAACAACCTCTTGCTAGAACTAGATATTTTTTTCTTTGAC[A>G]GTTCGGATTAAATGCAAAGAGCTTGTCAAGAAGATTGCCATCTACAGAAATCGATTGGCT-3'

ClinVar aggregate classification (germline): Likely pathogenic (1 of 4 stars; one submission).

Conditions:
Cranioectodermal dysplasia 1 (CED1). Also called: LEVIN SYNDROME I. Identifiers: Orphanet 1515, MedGen C0432235, MONDO:0021093, OMIM 218330.

gnomAD v4.1: 3 of 1,613,620 alleles (0.00019%); highest among the groups gnomAD compares: Non-Finnish European, 0.00025%; no homozygotes.

Submission:

Labcorp Genetics (formerly Invitae), Labcorp
Classification: Likely pathogenic for Cranioectodermal dysplasia 1. Last evaluated: 2024-11-27. Review status: criteria provided, single submitter. Criteria: Invitae Variant Classification Sherloc (09022015). Collection method: clinical testing. Allele origin: germline.
Comment: This sequence change affects an acceptor splice site in intron 12 of the IFT122 gene. It is expected to disrupt RNA splicing. Variants that disrupt the donor or acceptor splice site typically lead to a loss of protein function (PMID: 16199547), and loss-of-function variants in IFT122 are known to be pathogenic (PMID: 20493458, 23826986, 26792575). This variant is present in population databases (no rsID available, gnomAD 0.0009%). This variant has not been reported in the literature in individuals affected with IFT122-related conditions. Algorithms developed to predict the effect of sequence changes on RNA splicing suggest that this variant may disrupt the consensus splice site. In summary, the currently available evidence indicates that the variant is pathogenic, but additional data are needed to prove that conclusively. Therefore, this variant has been classified as Likely Pathogenic.

Literature cited by the submitters: PubMed 16199547; PubMed 20493458; PubMed 23826986; PubMed 26792575.